The following is an entry in ClinVar:

NM_001297.5(CNGB1):c.2965G>A (p.Val989Met)

Gene: CNGB1 (cyclic nucleotide gated channel subunit beta 1; minus strand). Cytogenetic location: 16q21.
Variant type: single nucleotide variant.
Coding change: c.2965G>A on transcript NM_001297.5 (MANE Select); coding-DNA position 2965, G replaced by A.
Protein change: p.Val989Met; replaces valine 989 with methionine.
Molecular consequence: missense variant.
Genome position (GRCh38, 1-based): chr16:57,901,363, C>T on the plus strand (G>A on the coding strand, the complement: CNGB1 is on the minus strand). VCF-style: chr16-57901363-C-T. GRCh37 (hg19) VCF-style: chr16-57935267-C-T.
Other names: c.2947G>A, p.Val983Met (NM_001286130.2); short protein forms V983M, V989M.
Identifiers: ClinVar variation 2119355 (VCV002119355.4), dbSNP rs2544615870, ClinGen allele CA396055541.

ClinVar aggregate classification (germline): Uncertain significance (1 of 4 stars; one submission).

Submission:

Labcorp Genetics (formerly Invitae), Labcorp
Classification: Uncertain significance. Last evaluated: 2022-06-22. Review status: criteria provided, single submitter. Criteria: Invitae Variant Classification Sherloc (09022015). Collection method: clinical testing. Allele origin: germline.
Comment: This sequence change replaces valine, which is neutral and non-polar, with methionine, which is neutral and non-polar, at codon 989 of the CNGB1 protein (p.Val989Met). In summary, the available evidence is currently insufficient to determine the role of this variant in disease. Therefore, it has been classified as a Variant of Uncertain Significance. Advanced modeling of protein sequence and biophysical properties (such as structural, functional, and spatial information, amino acid conservation, physicochemical variation, residue mobility, and thermodynamic stability) performed at Invitae indicates that this missense variant is expected to disrupt CNGB1 protein function. This variant has not been reported in the literature in individuals affected with CNGB1-related conditions. This variant is not present in population databases (gnomAD no frequency).